The following is an entry in ClinVar:

ClinVar aggregate classification (germline): Pathogenic (1 of 4 stars; one submission).

Conditions:
Dilated cardiomyopathy 1G (CMD1G). Identifiers: Orphanet 154, MedGen C1858763, MONDO:0011400, OMIM 604145.
Autosomal recessive limb-girdle muscular dystrophy type 2J (LGMDR10). Also called: MUSCULAR DYSTROPHY, LIMB-GIRDLE, AUTOSOMAL RECESSIVE 10; Limb-girdle muscular dystrophy, type 2J. Identifiers: Orphanet 140922, MedGen C1837342, MONDO:0012127, OMIM 608807.

Allele frequency attached by ClinVar (database versions not stated): gnomAD exomes below 0.00001.
gnomAD v4.1: 2 of 1,613,940 alleles (0.00012%); highest among the groups gnomAD compares: East Asian, 0.0022%; no homozygotes.

Submission:

Labcorp Genetics (formerly Invitae), Labcorp
Classification: Pathogenic for Dilated cardiomyopathy 1G; Autosomal recessive limb-girdle muscular dystrophy type 2J. Last evaluated: 2023-12-06. Review status: criteria provided, single submitter. Criteria: Invitae Variant Classification Sherloc (09022015). Collection method: clinical testing. Allele origin: germline.
Comment: This sequence change creates a premature translational stop signal (p.Gln34452*) in the TTN gene. While this is not anticipated to result in nonsense mediated decay, it is expected to create a truncated TTN protein. This variant is present in population databases (no rsID available, gnomAD 0.006%). This premature translational stop signal has been observed in individuals with peripartum cardiomyopathy and dilated cardiomyopathy (Invitae). This variant is located in the M band of TTN (PMID: 25589632). Truncating variants in this region have been previously reported in individuals affected with autosomal recessive myopathy and muscular dystrophy (PMID: 18948003, 23975875, 24395473). Truncating variants in this region have also been identified in individuals affected with autosomal dominant dilated cardiomyopathy and/or cardio-related conditions (PMID: 27869827, 32964742). For these reasons, this variant has been classified as Pathogenic.

Literature cited by the submitters: PubMed 25589632; PubMed 18948003; PubMed 23975875; PubMed 24395473; PubMed 27869827; PubMed 32964742.

NM_001267550.2(TTN):c.103354C>T (p.Gln34452Ter)

Genes: TTN-AS1 (TTN antisense RNA 1; plus strand), TTN (titin; minus strand). Cytogenetic location: 2q31.2.
Variant type: single nucleotide variant.
Coding change: c.103354C>T on transcript NM_001267550.2 (MANE Select); coding-DNA position 103354, C replaced by T.
Protein change: p.Gln34452Ter; replaces glutamine 34452 with a stop codon.
Molecular consequence: nonsense.
Genome position (GRCh38, 1-based): chr2:178,533,261, G>A on the plus strand (C>T on the coding strand, the complement: TTN is on the minus strand). VCF-style: chr2-178533261-G-A. GRCh37 (hg19) VCF-style: chr2-179397988-G-A.
Other names: c.98431C>T, p.Gln32811Ter (NM_001256850.1); c.76159C>T, p.Gln25387Ter (NM_003319.4); c.95650C>T, p.Gln31884Ter (NM_133378.4); c.76534C>T, p.Gln25512Ter (NM_133432.3); c.76735C>T, p.Gln25579Ter (NM_133437.4); short protein forms Q25512*, Q25579*, Q25387*, Q31884*, Q32811*, Q34452*.
Identifiers: ClinVar variation 2944288 (VCV002944288.3), dbSNP rs1182227611, ClinGen allele CA349414461.